The following is an entry in ClinVar:

ClinVar aggregate classification (germline): Uncertain significance (1 of 4 stars; one submission).

Submission:

Labcorp Genetics (formerly Invitae), Labcorp
Classification: Uncertain significance. Last evaluated: 2022-06-23. Review status: criteria provided, single submitter. Criteria: Invitae Variant Classification Sherloc (09022015). Collection method: clinical testing. Allele origin: germline.
Comment: This sequence change replaces leucine, which is neutral and non-polar, with valine, which is neutral and non-polar, at codon 922 of the KCNQ5 protein (p.Leu922Val). In summary, the available evidence is currently insufficient to determine the role of this variant in disease. Therefore, it has been classified as a Variant of Uncertain Significance. Advanced modeling of protein sequence and biophysical properties (such as structural, functional, and spatial information, amino acid conservation, physicochemical variation, residue mobility, and thermodynamic stability) performed at Invitae indicates that this missense variant is not expected to disrupt KCNQ5 protein function. This variant has not been reported in the literature in individuals affected with KCNQ5-related conditions. This variant is not present in population databases (gnomAD no frequency).

NM_019842.4(KCNQ5):c.2707C>G (p.Leu903Val)

Gene: KCNQ5 (potassium voltage-gated channel subfamily Q member 5; plus strand). Cytogenetic location: 6q13.
Variant type: single nucleotide variant.
Coding change: c.2707C>G on transcript NM_019842.4 (MANE Select); coding-DNA position 2707, C replaced by G.
Protein change: p.Leu903Val; replaces leucine 903 with valine.
Molecular consequence: missense variant.
Genome position (GRCh38, 1-based): chr6:73,195,322, C>G. VCF-style: chr6-73195322-C-G. GRCh37 (hg19) VCF-style: chr6-73905045-C-G.
Other names: c.2680C>G, p.Leu894Val (NM_001160130.2); c.2737C>G, p.Leu913Val (NM_001160132.2); c.2764C>G, p.Leu922Val (NM_001160133.2); c.2377C>G, p.Leu793Val (NM_001160134.2); short protein forms L793V, L913V, L922V, L894V, L903V.
Identifiers: ClinVar variation 2009772 (VCV002009772.4), dbSNP rs1765750418, ClinGen allele CA364697235.